The following is an entry in ClinVar:

ClinVar aggregate classification (germline): Benign/Likely benign. Review status: criteria provided, multiple submitters, no conflicts (2 of 4 stars). 2 submissions from 2 submitters: Benign (1); Likely benign (1). Last evaluated 2024-02-22.

Conditions:
Familial adenomatous polyposis 1 (FAP1). Also called: POLYPOSIS, ADENOMATOUS INTESTINAL; FAMILIAL ADENOMATOUS POLYPOSIS 1, ATTENUATED. Identifiers: MedGen C2713442, MONDO:0021056, OMIM 175100. Disease mechanism: loss of function.
Hereditary cancer-predisposing syndrome. Also called: Neoplastic Syndromes, Hereditary; Tumor predisposition; Hereditary neoplastic syndrome; Hereditary Cancer Syndrome. Identifiers: Orphanet 140162, MedGen C0027672, MeSH D009386, MONDO:0015356.

Allele frequency attached by ClinVar (database versions not stated): gnomAD exomes below 0.00001; ExAC 0.00001.
gnomAD v4.1: 2 of 1,614,038 alleles (0.00012%); highest among the groups gnomAD compares: African/African-American, 0.0013%; no homozygotes.

Submissions (2):

Myriad Genetics, Inc.
Classification: Benign for Familial adenomatous polyposis 1. Last evaluated: 2024-02-22. Review status: criteria provided, single submitter. Criteria: Myriad Autosomal Dominant, Autosomal Recessive and X-Linked Classification Criteria (2023). Collection method: clinical testing. Allele origin: unknown.
Comment: This variant is considered benign. This variant is a silent/synonymous amino acid change and it is not expected to impact splicing.

Ambry Genetics
Classification: Likely benign for Hereditary cancer-predisposing syndrome. Last evaluated: 2023-02-09. Review status: criteria provided, single submitter. Criteria: Ambry Variant Classification Scheme 2023. Collection method: clinical testing. Allele origin: germline.

NM_000038.6(APC):c.279C>G (p.Leu93=)

Gene: APC (APC regulator of Wnt signaling pathway; plus strand). Cytogenetic location: 5q22.2.
Variant type: single nucleotide variant.
Coding change: c.279C>G on transcript NM_000038.6 (MANE Select); coding-DNA position 279, C replaced by G.
Protein change: p.Leu93=; no amino-acid change (leucine 93 retained).
Molecular consequence: synonymous variant. On other transcripts: 5 prime UTR variant (4), non-coding transcript variant (2).
Genome position (GRCh38, 1-based): chr5:112,767,247, C>G. VCF-style: chr5-112767247-C-G. GRCh37 (hg19) VCF-style: chr5-112102944-C-G.
Other names: c.279C>G, p.Leu93= (NM_001127510.3, NM_001354895.2, NM_001354896.2 and 16 more transcripts); c.309C>G, p.Leu103= (NM_001127511.3, NM_001354897.2, NM_001354902.2 and 1 more transcripts); c.204C>G, p.Leu68= (NM_001354898.2, NM_001354904.2, NM_001407451.1); c.102C>G, p.Leu34= (NM_001354900.2, NM_001354901.2, NM_001354905.2 and 1 more transcripts); c.-757C>G (NM_001354906.2, NM_001407470.1, NM_001407471.1 and 1 more transcripts).
Identifiers: ClinVar variation 2452732 (VCV002452732.2), dbSNP rs768492450, ClinGen allele CA033476.